The following is an entry in ClinVar:

ClinVar aggregate classification (germline): Pathogenic. Review status: criteria provided, multiple submitters, no conflicts (2 of 4 stars). 12 submissions from 12 submitters: Pathogenic (9). 3 of the submissions do not count toward it. Last evaluated 2026-06-24.

Conditions:
SLC52A2-related disorder. Also called: SLC52A2-related condition.
Inborn genetic diseases. Identifiers: MedGen C0950123, MeSH D030342.
Brown-Vialetto-van Laere syndrome 2. Also called: Riboflavin transporter deficiency type 2; SPINOCEREBELLAR ATAXIA WITH BLINDNESS AND DEAFNESS 2. Identifiers: Orphanet 572543, Orphanet 97229, MedGen C3553538, MONDO:0013867, OMIM 614707.

Allele frequency attached by ClinVar (database versions not stated): ExAC 0.00007; gnomAD exomes 0.00007 and 0.00019; gnomAD 0.00008; TOPMed 0.00009; ESP Exome Variant Server 0.00015.
gnomAD v4.1: 283 of 1,601,890 alleles (0.018%); highest among the groups gnomAD compares: Non-Finnish European, 0.023%; no homozygotes.

Submissions (12):

PreventionGenetics, part of Exact Sciences
Classification: Pathogenic for SLC52A2-related condition. Last evaluated: 2026-06-24. Review status: criteria provided, single submitter. Criteria: ACMG Guidelines, 2015. Collection method: clinical testing. Allele origin: germline.
Comment: The SLC52A2 c.1016T>C variant is predicted to result in the amino acid substitution p.Leu339Pro. This variant has been reported to be causative for Brown-Vialetto-van Laere syndrome (Haack et al. 2012. PubMed ID: 22864630; Foley et al. 2014. PubMed ID: 24253200). A functional study showed that this variant significantly decreased the riboflavin transporter 3 activity (Haack et al. 2012. PubMed ID: 22864630). This variant is reported in 0.013% of alleles in individuals of European (Non-Finnish) descent in gnomAD. This variant is interpreted as pathogenic.

Labcorp Genetics (formerly Invitae), Labcorp
Classification: Pathogenic for Brown-Vialetto-van Laere syndrome 2. Last evaluated: 2025-10-13. Review status: criteria provided, single submitter. Criteria: Invitae Variant Classification Sherloc (09022015). Collection method: clinical testing. Allele origin: germline.
Comment: This sequence change replaces leucine, which is neutral and non-polar, with proline, which is neutral and non-polar, at codon 339 of the SLC52A2 protein (p.Leu339Pro). This variant is present in population databases (rs148234606, gnomAD 0.01%). This missense change has been observed in individuals with Brown-Vialetto-Van Laere syndrome (PMID: 22864630, 24253200, 25807286, 27148561). ClinVar contains an entry for this variant (Variation ID: 39577). Invitae Evidence Modeling of protein sequence and biophysical properties (such as structural, functional, and spatial information, amino acid conservation, physicochemical variation, residue mobility, and thermodynamic stability) indicates that this missense variant is expected to disrupt SLC52A2 protein function with a positive predictive value of 95%. Experimental studies have shown that this missense change affects SLC52A2 function (PMID: 22864630, 24253200, 25798182). For these reasons, this variant has been classified as Pathogenic.

Blueprint Genetics
Classification: Pathogenic for SLC52A2-related disorders. Last evaluated: 2024-11-11. Review status: criteria provided, single submitter. Criteria: ACMG Guidelines, 2015. Collection method: clinical testing. Allele origin: germline. Affected: yes. Observed: 5 variant alleles.

Greenwood Genetic Center Diagnostic Laboratories, Greenwood Genetic Center
Classification: Pathogenic for Brown-Vialetto-van Laere syndrome 2. Last evaluated: 2023-02-03. Review status: criteria provided, single submitter. Criteria: ACMG Guidelines, 2015. Collection method: clinical testing. Allele origin: germline. Affected: yes.
Comment: PS3, PM2, PM3_Strong, PP3

Revvity Omics, Revvity
Classification: Pathogenic for Brown-Vialetto-van Laere syndrome 2. Last evaluated: 2022-08-30. Review status: criteria provided, single submitter. Criteria: ACMG Guidelines, 2015. Collection method: clinical testing. Allele origin: germline.

GeneDx
Classification: Pathogenic. Last evaluated: 2022-06-26. Review status: criteria provided, single submitter. Criteria: GeneDx Variant Classification Process June 2021. Collection method: clinical testing. Allele origin: germline. Affected: yes.
Comment: Published functional studies demonstrate reduced or absent riboflavin transport activity (Haack et al., 2012; Foley et al., 2014); Not observed at a significant frequency in large population cohorts (gnomAD); This variant is associated with the following publications: (PMID: 22864630, 24253200, 27148561, 28251916, 25798182, 27702554, 25807286, 23107375, 32909658)

Baylor Genetics
Classification: Pathogenic for Brown-Vialetto-van Laere syndrome 2. Last evaluated: 2022-06-11. Review status: criteria provided, single submitter. Criteria: ACMG Guidelines, 2015. Collection method: clinical testing. Allele origin: unknown.

Victorian Clinical Genetics Services, Murdoch Childrens Research Institute
Classification: Pathogenic for Brown-Vialetto-van Laere syndrome 2. Last evaluated: 2020-05-21. Review status: criteria provided, single submitter. Criteria: ACMG Guidelines, 2015. Collection method: clinical testing. Allele origin: germline. Inheritance: Autosomal recessive inheritance. Affected: yes.
Comment: A heterozygous missense variant was identified, NM_001253816.1(SLC52A2):c.1016T>C in exon 4 of the SLC52A2 gene. This substitution is predicted to create a moderate amino acid change from a leucine to a proline at position 339 of the protein; NP_001240745.1(SLC52A2):p.(Leu339Pro). The leucine at this position has moderate conservation (100 vertebrates, UCSC), and is located within a DUF1011 (NCBI, PDB). In silico software predicts this variant to be damaging (PolyPhen2, PROVEAN, MutationAssessor, FATHMM). The variant is present in the gnomAD population database at a global population frequency of 0.0066% (18 heterozygotes, 0 homozygotes) with a European sub-population frequency of 0.013%. This variant has been previously reported as pathogenic in patients with Brown-Vialetto-Van Laere syndrome (ClinVar, Petrovski, S. et al. (2015), Haack, T. B. et al. (2012)). It has also been shown to segregate with disease in one family (Foley, A. R. et al. (2014)). In addition, functional studies show that this variant causes significantly reduced riboflavin uptake and abolishes protein expression (Foley, A. R. et al. (2014)). Based on information available at the time of curation, this variant has been classified as PATHOGENIC. Legend: (P) - Pathogenic, (N) - Neutral, (B) - Benign

Ambry Genetics
Classification: Pathogenic for Inborn genetic diseases. Last evaluated: 2019-12-11. Review status: criteria provided, single submitter. Criteria: Ambry Variant Classification Scheme 2023. Collection method: clinical testing. Allele origin: germline.
Comment: The p.L339P variant (also known as c.1016T>C), located in coding exon 3 of the SLC52A2 gene, results from a T to C substitution at nucleotide position 1016. The leucine at codon 339 is replaced by proline, an amino acid with similar properties. This alteration has been reported in the compound heterozygous state in multiple individuals diagnosed with Brown-Vialetto-Van Laere syndrome (Foley AR et al. Brain, 2014 Jan;137:44-56; Haack TB et al. J. Inherit. Metab. Dis., 2012 Nov;35:943-8; Bansagi B et al. Neurology, 2017 Mar;88:1226-1234; Manole A et al. Brain, 2017 11;140:2820-2837; Petrovski S et al. Cold Spring Harb Mol Case Stud, 2015 Oct;1:a000257). In vitro functional analysis of this alteration in HEK239 cells showed a significant decrease in hRFT3 riboflavin transporter activity compared to wild type cells (Haack TB et al. J. Inherit. Metab. Dis., 2012 Nov;35:943-8). It was additionally shown that this alteration leads to decreased expression in plasma membranes and abolished uptake of 3H-riboflavin (Foley AR et al. Brain, 2014 Jan;137:44-56). Based on the supporting evidence, this alteration is interpreted as a disease-causing mutation.

Duke University Health System Sequencing Clinic, Duke University Health System
Classification: Pathogenic for Brown-vialetto-van laere syndrome 2. Last evaluated: 2015-03-25. Review status: no assertion criteria provided. Collection method: research. Allele origin: germline. Affected: yes. Not counted in ClinVar's aggregate classification.

OMIM
Classification: Pathogenic for BROWN-VIALETTO-VAN LAERE SYNDROME 2. Last evaluated: 2014-01-01. Review status: no assertion criteria provided. Collection method: literature only. Allele origin: germline. Not counted in ClinVar's aggregate classification.

GeneReviews
No classification provided. Condition: Brown-Vialetto-van Laere syndrome 2. Review status: no classification provided. Collection method: literature only. Allele origin: germline. Affected: yes. Not counted in ClinVar's aggregate classification.

Literature cited by the submitters: PubMed 22864630 (cited by 5 submitters); PubMed 24253200 (cited by 4 submitters); PubMed 25807286 (cited by Labcorp Genetics (formerly Invitae), Labcorp); PubMed 27148561 (cited by 3 submitters); PubMed 25798182 (cited by Labcorp Genetics (formerly Invitae), Labcorp); PubMed 28251916 (cited by Ambry Genetics); PubMed 29053833 (cited by Ambry Genetics); PubMed 30343981 (cited by OMIM); NCBI Bookshelf NBK299312 (cited by GeneReviews).

NM_001363118.2(SLC52A2):c.1016T>C (p.Leu339Pro)

Gene: SLC52A2 (solute carrier family 52 member 2; plus strand). Cytogenetic location: 8q24.3.
Variant type: single nucleotide variant.
Coding change: c.1016T>C on transcript NM_001363118.2 (MANE Select); coding-DNA position 1016, T replaced by C.
Protein change: p.Leu339Pro; replaces leucine 339 with proline.
Molecular consequence: missense variant. On other transcripts: non-coding transcript variant (1).
Genome position (GRCh38, 1-based): chr8:144,360,604, T>C. VCF-style: chr8-144360604-T-C. GRCh37 (hg19) VCF-style: chr8-145584264-T-C.
Other names: SLC52A2, LEU339PRO (rs148234606); c.1016T>C, p.Leu339Pro (NM_001253815.2, NM_001253816.2, NM_001363120.2 and 2 more transcripts); c.524T>C, p.Leu175Pro (NM_001363122.2); c.752T>C, p.Leu251Pro (NM_001410949.1); c.968T>C (NM_024531.4); short protein forms L339P, L175P, L251P.
Identifiers: ClinVar variation 39577 (VCV000039577.28), dbSNP rs148234606, ClinGen allele CA343794.